The following is an entry in ClinVar:

NM_025137.4(SPG11):c.1667T>C (p.Phe556Ser)

Gene: SPG11 (SPG11 vesicle trafficking associated, spatacsin; minus strand). Cytogenetic location: 15q21.1.
Variant type: single nucleotide variant.
Coding change: c.1667T>C on transcript NM_025137.4 (MANE Select); coding-DNA position 1667, T replaced by C.
Protein change: p.Phe556Ser; replaces phenylalanine 556 with serine.
Molecular consequence: missense variant.
Genome position (GRCh38, 1-based): chr15:44,633,573, A>G on the plus strand (T>C on the coding strand, the complement: SPG11 is on the minus strand). VCF-style: chr15-44633573-A-G. GRCh37 (hg19) VCF-style: chr15-44925771-A-G.
Other names: c.1667T>C, p.Phe556Ser (NM_001160227.2); short protein forms F556S.
Identifiers: ClinVar variation 1517543 (VCV001517543.4), dbSNP rs375399685, ClinGen allele CA270084390.

ClinVar aggregate classification (germline): Uncertain significance (1 of 4 stars; one submission).

Conditions:
Hereditary spastic paraplegia 11. Also called: Spastic paraplegia, mental retardation and thin corpus callosum; SPASTIC PARAPLEGIA, AUTOSOMAL RECESSIVE, COMPLICATED, WITH THIN CORPUS CALLOSUM; SPASTIC PARAPLEGIA, AUTOSOMAL RECESSIVE, WITH MENTAL IMPAIRMENT AND THIN CORPUS CALLOSUM; Spastic Paraplegia 11; Nakamura Osame syndrome; Autosomal recessive hereditary spastic paraplegia, mental impairment, and thin corpus callosum. Identifiers: Orphanet 2822, MedGen C1858479, MONDO:0011445, OMIM 604360.

Allele frequency attached by ClinVar (database versions not stated): gnomAD exomes below 0.00001.
gnomAD v4.1: 13 of 1,613,340 alleles (0.00081%); highest among the groups gnomAD compares: African/African-American, 0.0053%; no homozygotes.

Submission:

Labcorp Genetics (formerly Invitae), Labcorp
Classification: Uncertain significance for Hereditary spastic paraplegia 11. Last evaluated: 2024-11-04. Review status: criteria provided, single submitter. Criteria: Invitae Variant Classification Sherloc (09022015). Collection method: clinical testing. Allele origin: germline.
Comment: This sequence change replaces phenylalanine, which is neutral and non-polar, with serine, which is neutral and polar, at codon 556 of the SPG11 protein (p.Phe556Ser). This variant is not present in population databases (gnomAD no frequency). This variant has not been reported in the literature in individuals affected with SPG11-related conditions. ClinVar contains an entry for this variant (Variation ID: 1517543). Invitae Evidence Modeling of protein sequence and biophysical properties (such as structural, functional, and spatial information, amino acid conservation, physicochemical variation, residue mobility, and thermodynamic stability) indicates that this missense variant is expected to disrupt SPG11 protein function with a positive predictive value of 80%. In summary, the available evidence is currently insufficient to determine the role of this variant in disease. Therefore, it has been classified as a Variant of Uncertain Significance.